The following is an entry in ClinVar:

NM_052876.4(NACC1):c.730G>A (p.Gly244Ser)

Gene: NACC1 (nucleus accumbens associated 1; plus strand). Cytogenetic location: 19p13.13.
Variant type: single nucleotide variant.
Coding change: c.730G>A on transcript NM_052876.4 (MANE Select); coding-DNA position 730, G replaced by A.
Protein change: p.Gly244Ser; replaces glycine 244 with serine.
Molecular consequence: missense variant.
Genome position (GRCh38, 1-based): chr19:13,135,937, G>A. VCF-style: chr19-13135937-G-A. GRCh37 (hg19) VCF-style: chr19-13246751-G-A.
Other names: c.730G>A (NM_052876.2); short protein forms G244S.
Identifiers: ClinVar variation 2198123 (VCV002198123.5), dbSNP rs1039919780, ClinGen allele CA305553165.

ClinVar aggregate classification (germline): Uncertain significance. Review status: criteria provided, multiple submitters, no conflicts (2 of 4 stars). 3 submissions from 3 submitters: Uncertain significance (3). Last evaluated 2025-09-24.

Conditions:
Inborn genetic diseases. Identifiers: MedGen C0950123, MeSH D030342.

Submissions (3):

Ambry Genetics
Classification: Uncertain significance for Inborn genetic diseases. Last evaluated: 2025-09-24. Review status: criteria provided, single submitter. Criteria: Ambry Variant Classification Scheme 2023. Collection method: clinical testing. Allele origin: germline.

Labcorp Genetics (formerly Invitae), Labcorp
Classification: Uncertain significance. Last evaluated: 2025-02-12. Review status: criteria provided, single submitter. Criteria: Invitae Variant Classification Sherloc (09022015). Collection method: clinical testing. Allele origin: germline.
Comment: This sequence change replaces glycine, which is neutral and non-polar, with serine, which is neutral and polar, at codon 244 of the NACC1 protein (p.Gly244Ser). This variant is not present in population databases (gnomAD no frequency). This variant has not been reported in the literature in individuals affected with NACC1-related conditions. ClinVar contains an entry for this variant (Variation ID: 2198123). Invitae Evidence Modeling of protein sequence and biophysical properties (such as structural, functional, and spatial information, amino acid conservation, physicochemical variation, residue mobility, and thermodynamic stability) indicates that this missense variant is not expected to disrupt NACC1 protein function with a negative predictive value of 80%. In summary, the available evidence is currently insufficient to determine the role of this variant in disease. Therefore, it has been classified as a Variant of Uncertain Significance.

Greenwood Genetic Center Diagnostic Laboratories, Greenwood Genetic Center
Classification: Uncertain significance. Last evaluated: 2023-10-24. Review status: criteria provided, single submitter. Criteria: ACMG Guidelines, 2015. Collection method: clinical testing. Allele origin: germline. Affected: yes.
Comment: PM2